The following is an entry in ClinVar:

NM_000018.4(ACADVL):c.160T>G (p.Ser54Ala)

Gene: ACADVL (acyl-CoA dehydrogenase very long chain; plus strand). Cytogenetic location: 17p13.1.
Variant type: single nucleotide variant.
Coding change: c.160T>G on transcript NM_000018.4 (MANE Select); coding-DNA position 160, T replaced by G.
Protein change: p.Ser54Ala; replaces serine 54 with alanine.
Molecular consequence: missense variant. On other transcripts: 5 prime UTR variant (1), intron variant (1).
Genome position (GRCh38, 1-based): chr17:7,220,485, T>G. VCF-style: chr17-7220485-T-G. GRCh37 (hg19) VCF-style: chr17-7123804-T-G.
Other names: p.Ser54Ala; c.229T>G, p.Ser77Ala (NM_001270447.2); c.-69T>G (NM_001270448.2); c.139-119T>G (NM_001033859.3); short protein forms S54A, S77A.
Identifiers: ClinVar variation 4542121 (VCV004542121.1).

ClinVar aggregate classification (germline): Uncertain significance (1 of 4 stars; one submission).

gnomAD v4.1: 5 of 1,614,152 alleles (0.00031%); highest among the groups gnomAD compares: Non-Finnish European, 0.00042%; no homozygotes.

Submission:

Mayo Clinic Laboratories, Mayo Clinic
Classification: Uncertain significance. Last evaluated: 2025-10-20. Review status: criteria provided, single submitter. Criteria: ACMG Guidelines, 2015. Collection method: clinical testing. Allele origin: germline. Observed: 1 variant allele.
Comment: BP4